The following is an entry in ClinVar:

ClinVar aggregate classification (germline): Pathogenic (1 of 4 stars; one submission).

Submission:

CeGaT Center for Human Genetics Tuebingen
Classification: Pathogenic. Last evaluated: 2025-05-01. Review status: criteria provided, single submitter. Criteria: CeGaT Center For Human Genetics Tuebingen Variant Classification Criteria Version 2. Collection method: clinical testing. Allele origin: germline. Affected: yes. Observed: 1 variant allele.
Comment: NF2: PVS1, PM2

NM_000268.4(NF2):c.466_487del (p.Ser156fs)

Gene: NF2 (NF2, moesin-ezrin-radixin like (MERLIN) tumor suppressor; plus strand). Cytogenetic location: 22q12.2.
Variant type: Deletion.
Coding change: c.466_487del on transcript NM_000268.4 (MANE Select); coding-DNA positions 466 to 487, 22 bases deleted (AGTGTTCACAAGCGGGGATTTT).
Protein change: p.Ser156fs; shifts the reading frame from serine 156.
Molecular consequence: frameshift variant. On other transcripts: 5 prime UTR variant (1), intron variant (1).
Genome position (GRCh38, 1-based): chr22:29,654,675-29,654,696, AGTGTTCACAAGCGGGGATTTT deleted. VCF-style (leftmost placement, unchanged base first): chr22-29654674-CAGTGTTCACAAGCGGGGATTTT-C. GRCh37 (hg19) VCF-style: chr22-30050663-CAGTGTTCACAAGCGGGGATTTT-C.
Other names: c.352_373del, p.Ser118fs (NM_001407053.1, NM_001407056.1); c.343_364del, p.Ser115fs (NM_001407054.1, NM_001407058.1, NM_001407062.1 and 1 more transcripts); c.340_361del, p.Ser114fs (NM_001407055.1, NM_181828.3); c.466_487del, p.Ser156fs (NM_001407057.1, NM_001407059.1, NM_001407060.1 and 4 more transcripts); c.217_238del, p.Ser73fs (NM_001407063.1, NM_001407064.1, NM_181830.3 and 1 more transcripts); c.-175_-154del (NM_001407065.1); c.235_256del, p.Ser79fs (NM_001407067.1); c.447+12390_447+12411del (NM_181833.3); short protein forms S114fs, S115fs, S118fs, S156fs, S73fs, S79fs.
Identifiers: ClinVar variation 3905834 (VCV003905834.10).
Genomic context (GRCh38, chr22:29,654,674, plus strand): 5'-TCTTTAGAATCTCAATCGCCTGCTCTCCCTTTCTTCTTTCCAGTATGGTGACTACGACCC[CAGTGTTCACAAGCGGGGATTTT>C]TGGCCCAAGAGGAATTGCTTCCAAAAAGGGTAAGAGATTAAATTCCCTTTTCAGGAAGAC-3'